The following is an entry in ClinVar:

ClinVar aggregate classification (germline): Benign. Review status: criteria provided, multiple submitters, no conflicts (2 of 4 stars). 20 submissions from 18 submitters: Benign (15). 5 of the submissions do not count toward it. Last evaluated 2026-02-04.

Conditions:
Cardiovascular phenotype. Identifiers: MedGen CN230736.
Desmin-related myofibrillar myopathy (MFM1). Also called: MYOFIBRILLAR MYOPATHY WITH ARRHYTHMOGENIC RIGHT VENTRICULAR CARDIOMYOPATHY; DESMIN-RELATED MYOPATHY WITH ARRHYTHMOGENIC RIGHT VENTRICULAR CARDIOMYOPATHY; Myofibrillar myopathy 1; Desmin related myopathy (former name); Desmin storage myopathy (former name); Desminopathy. Identifiers: Orphanet 363543, Orphanet 98909, MedGen C1832370, MONDO:0011076, OMIM 601419.
Neurogenic scapuloperoneal syndrome, Kaeser type (SCPNK). Also called: KAESER SYNDROME. Identifiers: Orphanet 85146, MedGen C1867005, MONDO:0008407, OMIM 181400.
Dilated cardiomyopathy 1I (CMD1I). Identifiers: Orphanet 154, MedGen C1858154, MONDO:0011482, OMIM 604765.

Allele frequency attached by ClinVar (database versions not stated): gnomAD exomes 0.33195 and 0.34137; ExAC 0.33626; 1000 Genomes Project 0.33746; 1000 Genomes Project 30x 0.34244; gnomAD 0.36262 and 0.36815; TOPMed 0.37471; ESP Exome Variant Server 0.38451.
gnomAD v4.1: 554,787 of 1,613,578 alleles (34%); highest among the groups gnomAD compares: African/African-American, 44%; 97,279 homozygotes.

Submissions (20):

Labcorp Genetics (formerly Invitae), Labcorp
Classification: Benign for Desmin-related myofibrillar myopathy. Last evaluated: 2026-02-04. Review status: criteria provided, single submitter. Criteria: Invitae Variant Classification Sherloc (09022015). Collection method: clinical testing. Allele origin: germline.

Molecular Diagnostic Laboratory for Inherited Cardiovascular Disease, Montreal Heart Institute
Classification: Benign. Last evaluated: 2025-04-09. Review status: criteria provided, single submitter. Criteria: ACMG Guidelines, 2015. Collection method: clinical testing. Allele origin: germline. Affected: no.

Blueprint Genetics
Classification: Benign. Last evaluated: 2024-11-26. Review status: criteria provided, single submitter. Criteria: ACMG Guidelines, 2015. Collection method: clinical testing. Allele origin: germline.

Illumina Laboratory Services, Illumina
Classification: Benign for Neurogenic scapuloperoneal syndrome, Kaeser type. Last evaluated: 2018-01-12. Review status: criteria provided, single submitter. Criteria: ICSL Variant Classification Criteria 13 December 2019. Collection method: clinical testing. Allele origin: germline.
Comment: This variant was observed in the ICSL laboratory as part of a predisposition screen in an ostensibly healthy population. It had not been previously curated by ICSL or reported in the Human Gene Mutation Database (HGMD: prior to June 1st, 2018), and was therefore a candidate for classification through an automated scoring system. Utilizing variant allele frequency, disease prevalence and penetrance estimates, and inheritance mode, an automated score was calculated to assess if this variant is too frequent to cause the disease. Based on the score and internal cut-off values, a variant classified as benign is not then subjected to further curation. The score for this variant resulted in a classification of benign for this disease.

Illumina Laboratory Services, Illumina
Classification: Benign for Myofibrillar myopathy 1. Last evaluated: 2018-01-12. Review status: criteria provided, single submitter. Criteria: ICSL Variant Classification Criteria 13 December 2019. Collection method: clinical testing. Allele origin: germline.
Comment: the same text as in the submission from Illumina Laboratory Services, Illumina above.

Illumina Laboratory Services, Illumina
Classification: Benign for Dilated cardiomyopathy 1I. Last evaluated: 2018-01-12. Review status: criteria provided, single submitter. Criteria: ICSL Variant Classification Criteria 13 December 2019. Collection method: clinical testing. Allele origin: germline.
Comment: the same text as in the submission from Illumina Laboratory Services, Illumina above.

Mayo Clinic Laboratories, Mayo Clinic
Classification: Benign. Last evaluated: 2017-07-21. Review status: criteria provided, single submitter. Criteria: ACMG Guidelines, 2015. Collection method: clinical testing. Allele origin: germline. Observed: 1,417 variant alleles.

Athena Diagnostics
Classification: Benign. Last evaluated: 2017-07-12. Review status: criteria provided, single submitter. Criteria: Athena Diagnostics Criteria. Collection method: clinical testing. Allele origin: germline.

Ambry Genetics
Classification: Benign for Cardiovascular phenotype. Last evaluated: 2015-06-18. Review status: criteria provided, single submitter. Criteria: Ambry Variant Classification Scheme 2023. Collection method: clinical testing. Allele origin: germline.

GeneDx
Classification: Benign. Last evaluated: 2015-03-03. Review status: criteria provided, single submitter. Criteria: GeneDx Variant Classification Process June 2021. Collection method: clinical testing. Allele origin: germline. Affected: yes.

Genetic Services Laboratory, University of Chicago
Classification: Benign for AllHighlyPenetrant. Last evaluated: 2013-08-15. Review status: criteria provided, single submitter. Criteria: ACMG Guidelines, 2007. Collection method: clinical testing. Allele origin: germline. Inheritance: Autosomal dominant inheritance.

Eurofins Ntd Llc (ga)
Classification: Benign. Last evaluated: 2013-03-12. Review status: criteria provided, single submitter. Criteria: EGL Classification Definitions 2015. Collection method: clinical testing. Allele origin: germline. Observed: 9 variant alleles, 8 heterozygotes, 1 homozygote.

Laboratory for Molecular Medicine, Mass General Brigham Personalized Medicine
Classification: Benign. Last evaluated: 2008-02-15. Review status: criteria provided, single submitter. Criteria: LMM Criteria. Collection method: clinical testing. Allele origin: germline. Observed: 1,507 variant alleles.

Breakthrough Genomics
Classification: Benign. Review status: criteria provided, single submitter. Criteria: ACMG Guidelines, 2015. Collection method: not provided. Allele origin: germline. Inheritance: Autosomal recessive inheritance. Affected: yes.

PreventionGenetics, part of Exact Sciences
Classification: Benign. Review status: criteria provided, single submitter. Criteria: ACMG Guidelines, 2015. Collection method: clinical testing. Allele origin: germline.

Clinical Genetics DNA and cytogenetics Diagnostics Lab, Erasmus MC, Erasmus Medical Center
Classification: Benign. Review status: no assertion criteria provided. Collection method: clinical testing. Allele origin: germline. Affected: yes. Study: VKGL Data-share Consensus. Not counted in ClinVar's aggregate classification.

Clinical Genetics, Academic Medical Center
Classification: Benign. Review status: no assertion criteria provided. Collection method: clinical testing. Allele origin: germline. Affected: yes. Study: VKGL Data-share Consensus. Not counted in ClinVar's aggregate classification.

Diagnostic Laboratory, Department of Genetics, University Medical Center Groningen
Classification: Benign. Review status: no assertion criteria provided. Collection method: clinical testing. Allele origin: germline. Affected: yes. Study: VKGL Data-share Consensus. Not counted in ClinVar's aggregate classification.

Genome Diagnostics Laboratory, University Medical Center Utrecht
Classification: Benign. Review status: no assertion criteria provided. Collection method: clinical testing. Allele origin: germline. Affected: yes. Study: VKGL Data-share Consensus. Not counted in ClinVar's aggregate classification.

Joint Genome Diagnostic Labs from Nijmegen and Maastricht, Radboudumc and MUMC+
Classification: Benign. Review status: no assertion criteria provided. Collection method: clinical testing. Allele origin: germline. Affected: yes. Study: VKGL Data-share Consensus. Not counted in ClinVar's aggregate classification.

Literature cited by the submitters: PubMed 10905661 (cited by Laboratory for Molecular Medicine, Mass General Brigham Personalized Medicine).

NM_001927.4(DES):c.828C>T (p.Asp276=)

Gene: DES (desmin; plus strand). Cytogenetic location: 2q35.
Variant type: single nucleotide variant.
Coding change: c.828C>T on transcript NM_001927.4 (MANE Select); coding-DNA position 828, C replaced by T.
Protein change: p.Asp276=; no amino-acid change (aspartic acid 276 retained).
Molecular consequence: synonymous variant.
Genome position (GRCh38, 1-based): chr2:219,420,587, C>T. VCF-style: chr2-219420587-C-T. GRCh37 (hg19) VCF-style: chr2-220285309-C-T.
Other names: p.Asp276=.
Identifiers: ClinVar variation 44272 (VCV000044272.44), dbSNP rs1058261, ClinGen allele CA133879.